The following is an entry in ClinVar:

ClinVar aggregate classification (germline): Uncertain significance (1 of 4 stars; one submission).

gnomAD v4.1: 1 of 1,590,350 alleles (0.000063%); highest among the groups gnomAD compares: Non-Finnish European, 0.000086%; no homozygotes.

Submission:

CeGaT Center for Human Genetics Tuebingen
Classification: Uncertain significance. Last evaluated: 2023-01-01. Review status: criteria provided, single submitter. Criteria: CeGaT Center For Human Genetics Tuebingen Variant Classification Criteria Version 2. Collection method: clinical testing. Allele origin: germline. Affected: yes. Observed: 1 variant allele.
Comment: DST: PM2, PP3

NM_001374736.1(DST):c.10475T>A (p.Ile3492Asn)

Gene: DST (dystonin; minus strand). Cytogenetic location: 6p12.1.
Variant type: single nucleotide variant.
Coding change: c.10475T>A on transcript NM_001374736.1 (MANE Select); coding-DNA position 10475, T replaced by A.
Protein change: p.Ile3492Asn; replaces isoleucine 3492 with asparagine.
Molecular consequence: missense variant. On other transcripts: intron variant (6).
Genome position (GRCh38, 1-based): chr6:56,604,153, A>T on the plus strand (T>A on the coding strand, the complement: DST is on the minus strand). VCF-style: chr6-56604153-A-T. GRCh37 (hg19) VCF-style: chr6-56468951-A-T.
Other names: c.10475T>A, p.Ile3492Asn (NM_001374722.1); c.9842T>A, p.Ile3281Asn (NM_001374729.1); c.10502T>A, p.Ile3501Asn (NM_001374734.1); c.5185-3932T>A (NM_001144769.5); c.4771-3932T>A (NM_001144770.2); c.4651-3932T>A (NM_001374730.1, NM_001386100.1, NM_183380.4); c.3673-3932T>A (NM_015548.5); short protein forms I3281N, I3492N, I3501N.
Identifiers: ClinVar variation 2656665 (VCV002656665.24), dbSNP rs1373831636, ClinGen allele CA364537011.